The following is an entry in ClinVar:

ClinVar aggregate classification (germline): Pathogenic. Review status: criteria provided, multiple submitters, no conflicts (2 of 4 stars). 4 submissions from 4 submitters: Pathogenic (4). Last evaluated 2025-11-28.

Conditions:
GALNT3-related disorder. Also called: GALNT3-related condition.
Tumoral calcinosis, hyperphosphatemic, familial, 1. Also called: CALCINOSIS, TUMORAL, WITH HYPERPHOSPHATEMIA; LIPOCALCINOGRANULOMATOSIS; MORBUS TEUTSCHLAENDER; TEUTSCHLAENDER DISEASE, FAMILIAL; TUMORAL CALCINOSIS, PRIMARY HYPERPHOSPHATEMIC; CORTICAL HYPEROSTOSIS WITH HYPERPHOSPHATEMIA. Identifiers: Orphanet 53715, MedGen C4692564, MONDO:0100252, OMIM 211900.

Submissions (4):

MOLECULAR BIOLOGY AND HUMAN GENETICS DIVISION, THE UNIVERSITY OF BURDWAN
Classification: Pathogenic for Tumoral calcinosis, hyperphosphatemic, familial, 1. Last evaluated: 2025-11-28. Review status: criteria provided, single submitter. Criteria: ACMG Guidelines, 2015. Collection method: research. Allele origin: germline. Affected: yes. Observed: 1 variant allele.
Comment: This frameshift variant causes the truncation of protein production and loss of function, hence it can be classified as a Pathogenic variant.

Labcorp Genetics (formerly Invitae), Labcorp
Classification: Pathogenic. Last evaluated: 2025-06-03. Review status: criteria provided, single submitter. Criteria: Invitae Variant Classification Sherloc (09022015). Collection method: clinical testing. Allele origin: germline.
Comment: This sequence change creates a premature translational stop signal (p.Val249Aspfs*8) in the GALNT3 gene. It is expected to result in an absent or disrupted protein product. Loss-of-function variants in GALNT3 are known to be pathogenic (PMID: 15133511, 20358599). This variant is present in population databases (rs774681591, gnomAD 0.009%). This premature translational stop signal has been observed in individual(s) with GALNT3-related conditions (PMID: 27164190). ClinVar contains an entry for this variant (Variation ID: 2203165). For these reasons, this variant has been classified as Pathogenic.

Fulgent Genetics
Classification: Pathogenic for Tumoral calcinosis, hyperphosphatemic, familial, 1. Last evaluated: 2024-04-16. Review status: criteria provided, single submitter. Criteria: ACMG Guidelines, 2015. Collection method: clinical testing. Allele origin: germline.

Blueprint Genetics
Classification: Pathogenic for GALNT3-related disorders. Last evaluated: 2024-02-05. Review status: criteria provided, single submitter. Criteria: ACMG Guidelines, 2015. Collection method: clinical testing. Allele origin: germline. Affected: yes. Observed: 5 variant alleles.

Literature cited by the submitters: PubMed 27164190 (cited by MOLECULAR BIOLOGY AND HUMAN GENETICS DIVISION, THE UNIVERSITY OF BURDWAN and Labcorp Genetics (formerly Invitae), Labcorp); PubMed 15133511 (cited by Labcorp Genetics (formerly Invitae), Labcorp); PubMed 20358599 (cited by Labcorp Genetics (formerly Invitae), Labcorp).

NM_004482.4(GALNT3):c.746_749del (p.Val249fs)

Gene: GALNT3 (polypeptide N-acetylgalactosaminyltransferase 3; minus strand). Cytogenetic location: 2q24.3.
Variant type: Deletion.
Coding change: c.746_749del on transcript NM_004482.4 (MANE Select); coding-DNA positions 746 to 749, 4 bases deleted (TCAG; older notation c.746_749delTCAG).
Protein change: p.Val249fs; shifts the reading frame from valine 249.
Molecular consequence: frameshift variant.
Genome position (GRCh38, 1-based): chr2:165,761,994-165,761,997, CTGA deleted on the plus strand (TCAG on the coding strand, the reverse complement: GALNT3 is on the minus strand); deleting any 4 consecutive bases within chr2:165,761,994-165,761,999 gives the same sequence; the c. name uses the placement nearest the transcript's 3' end. VCF-style (leftmost placement, unchanged base first): chr2-165761993-TCTGA-T. GRCh37 (hg19) VCF-style: chr2-166618503-TCTGA-T.
Other names: short protein forms V249fs.
Identifiers: ClinVar variation 2203165 (VCV002203165.8), dbSNP rs774681591, ClinGen allele CA1941133.